The following is an entry in ClinVar:

ClinVar aggregate classification (germline): Uncertain significance. Review status: criteria provided, multiple submitters, no conflicts (2 of 4 stars). 2 submissions from 2 submitters: Uncertain significance (2). Last evaluated 2025-04-04.

Conditions:
Charcot-Marie-Tooth disease type 2. Also called: Charcot-Marie-Tooth type 2. Identifiers: Orphanet 64746, MedGen C0270914, MONDO:0018993.

Submissions (2):

Women's Health and Genetics/Laboratory Corporation of America, LabCorp
Classification: Uncertain significance. Last evaluated: 2025-04-04. Review status: criteria provided, single submitter. Criteria: LabCorp Variant Classification Summary - May 2015. Collection method: clinical testing. Allele origin: germline.
Comment: Variant summary: AARS1 c.2477T>C (p.Met826Thr) results in a non-conservative amino acid change in the encoded protein sequence. Three of five in-silico tools predict a benign effect of the variant on protein function. The frequency of this variant in the general population could not be determined as the technology used for large population databases (ExAC, gnomAD, ESP, 1000G) cannot detect variants of this type. The available data on variant occurrences in the general population are insufficient to allow any conclusion about variant significance. To our knowledge, no occurrence of c.2477T>C in individuals affected with Developmental and epileptic encephalopathy, 29 and no experimental evidence demonstrating its impact on protein function have been reported. ClinVar contains an entry for this variant (Variation ID: 2838089). Based on the evidence outlined above, the variant was classified as uncertain significance.

Labcorp Genetics (formerly Invitae), Labcorp
Classification: Uncertain significance for Charcot-Marie-Tooth disease type 2. Last evaluated: 2024-02-24. Review status: criteria provided, single submitter. Criteria: Invitae Variant Classification Sherloc (09022015). Collection method: clinical testing. Allele origin: germline.
Comment: This sequence change replaces methionine, which is neutral and non-polar, with threonine, which is neutral and polar, at codon 826 of the AARS protein (p.Met826Thr). This variant is not present in population databases (gnomAD no frequency). This variant has not been reported in the literature in individuals affected with AARS-related conditions. Advanced modeling of protein sequence and biophysical properties (such as structural, functional, and spatial information, amino acid conservation, physicochemical variation, residue mobility, and thermodynamic stability) performed at Invitae indicates that this missense variant is not expected to disrupt AARS protein function with a negative predictive value of 95%. In summary, the available evidence is currently insufficient to determine the role of this variant in disease. Therefore, it has been classified as a Variant of Uncertain Significance.

NM_001605.3(AARS1):c.2477T>C (p.Met826Thr)

Gene: AARS1 (alanyl-tRNA synthetase 1; minus strand). Cytogenetic location: 16q22.1.
Variant type: single nucleotide variant.
Coding change: c.2477T>C on transcript NM_001605.3 (MANE Select); coding-DNA position 2477, T replaced by C.
Protein change: p.Met826Thr; replaces methionine 826 with threonine.
Molecular consequence: missense variant.
Genome position (GRCh38, 1-based): chr16:70,253,962, A>G on the plus strand (T>C on the coding strand, the complement: AARS1 is on the minus strand). VCF-style: chr16-70253962-A-G. GRCh37 (hg19) VCF-style: chr16-70287865-A-G.
Other names: short protein forms M826T.
Identifiers: ClinVar variation 2838089 (VCV002838089.5), dbSNP rs2506989863, ClinGen allele CA396555299.